The following is an entry in ClinVar:

ClinVar aggregate classification (germline): Uncertain significance. Review status: criteria provided, multiple submitters, no conflicts (2 of 4 stars). 3 submissions from 3 submitters: Uncertain significance (3). Last evaluated 2025-12-04.

Conditions:
Chédiak-Higashi syndrome (CHS). Also called: Chediak-Higashi Syndrome. Identifiers: Orphanet 167, MedGen C0007965, MONDO:0008963, OMIM 214500.
Inborn genetic diseases. Identifiers: MedGen C0950123, MeSH D030342.

Allele frequency attached by ClinVar (database versions not stated): gnomAD 0.00001 and 0.00002; gnomAD exomes 0.00001; TOPMed 0.00002.
gnomAD v4.1: 20 of 1,613,404 alleles (0.0012%); highest among the groups gnomAD compares: Middle Eastern, 0.017%; no homozygotes.

Submissions (3):

Ambry Genetics
Classification: Uncertain significance for Inborn genetic diseases. Last evaluated: 2025-12-04. Review status: criteria provided, single submitter. Criteria: Ambry Variant Classification Scheme 2023. Collection method: clinical testing. Allele origin: germline.
Comment: The c.2330A>G (p.Y777C) alteration is located in exon 5 (coding exon 3) of the LYST gene. This alteration results from a A to G substitution at nucleotide position 2330, causing the tyrosine (Y) at amino acid position 777 to be replaced by a cysteine (C). Based on data from gnomAD, the G allele has an overall frequency of 0.001% (2/251040) total alleles studied. The highest observed frequency was 0.006% (1/16252) of African alleles. Based on insufficient or conflicting evidence, the clinical significance of this alteration remains unclear.

Labcorp Genetics (formerly Invitae), Labcorp
Classification: Uncertain significance for Chédiak-Higashi syndrome. Last evaluated: 2022-09-22. Review status: criteria provided, single submitter. Criteria: Invitae Variant Classification Sherloc (09022015). Collection method: clinical testing. Allele origin: germline.
Comment: This sequence change replaces tyrosine, which is neutral and polar, with cysteine, which is neutral and slightly polar, at codon 777 of the LYST protein (p.Tyr777Cys). This variant is present in population databases (rs367688184, gnomAD 0.007%). This variant has not been reported in the literature in individuals affected with LYST-related conditions. ClinVar contains an entry for this variant (Variation ID: 978192). Advanced modeling of protein sequence and biophysical properties (such as structural, functional, and spatial information, amino acid conservation, physicochemical variation, residue mobility, and thermodynamic stability) performed at Invitae indicates that this missense variant is not expected to disrupt LYST protein function. In summary, the available evidence is currently insufficient to determine the role of this variant in disease. Therefore, it has been classified as a Variant of Uncertain Significance.

New York Genome Center
Classification: Uncertain significance for Chédiak-Higashi syndrome. Last evaluated: 2019-12-24. Review status: criteria provided, single submitter. Criteria: NYGC Assertion Criteria 2020. Collection method: clinical testing. Allele origin: germline. Observed: 1 heterozygote. Study: CSER-NYCKidSeq.

NM_000081.4(LYST):c.2330A>G (p.Tyr777Cys)

Gene: LYST (lysosomal trafficking regulator; minus strand). Cytogenetic location: 1q42.3.
Variant type: single nucleotide variant.
Coding change: c.2330A>G on transcript NM_000081.4 (MANE Select); coding-DNA position 2330, A replaced by G.
Protein change: p.Tyr777Cys; replaces tyrosine 777 with cysteine.
Molecular consequence: missense variant.
Genome position (GRCh38, 1-based): chr1:235,808,488, T>C on the plus strand (A>G on the coding strand, the complement: LYST is on the minus strand). VCF-style: chr1-235808488-T-C. GRCh37 (hg19) VCF-style: chr1-235971788-T-C.
Other names: c.2330A>G, p.Tyr777Cys (NM_001301365.1); c.2330A>G (NM_000081.2); short protein forms Y777C.
Identifiers: ClinVar variation 978192 (VCV000978192.6), dbSNP rs367688184, ClinGen allele CA39617776.
Genomic context (GRCh38, chr1:235,808,488, plus strand): 5'-CCCGCCGCCACCCACACACATACAAACCTGGATTTAAGCAGGATAGGCAGAGTTTTTACA[T>C]AAATCTGAAGCACGTCCTGAGGCAAGCACTGGTTATGATGGCTACATACATGACTTTGAG-3'
Protein context (NP_000072.2, residues 767-787): QCLPQDVLQI[Tyr777Cys]VKTLPILLKS